The following is an entry in ClinVar:

ClinVar aggregate classification (germline): Pathogenic/Likely pathogenic. Review status: criteria provided, multiple submitters, no conflicts (2 of 4 stars). 2 submissions from 2 submitters: Pathogenic (1); Likely pathogenic (1). Last evaluated 2024-02-03.

Conditions:
KIF7-related disorder. Also called: KIF7-related condition.
Acrocallosal syndrome (ACLS). Also called: Schinzel syndrome 1; Absence of corpus callosum with unusual facial appearance, mental deficiency, duplication of the halluces and polydactyly; HALLUX DUPLICATION, POSTAXIAL POLYDACTYLY, AND ABSENCE OF CORPUS CALLOSUM. Identifiers: Orphanet 36, MedGen C0796147, MONDO:0008708, OMIM 200990.

Allele frequency attached by ClinVar (database versions not stated): gnomAD exomes below 0.00001.

Submissions (2):

Labcorp Genetics (formerly Invitae), Labcorp
Classification: Pathogenic for Acrocallosal syndrome. Last evaluated: 2024-02-03. Review status: criteria provided, single submitter. Criteria: Invitae Variant Classification Sherloc (09022015). Collection method: clinical testing. Allele origin: germline.
Comment: This sequence change creates a premature translational stop signal (p.Arg424Alafs*39) in the KIF7 gene. It is expected to result in an absent or disrupted protein product. Loss-of-function variants in KIF7 are known to be pathogenic (PMID: 19666503, 21552264, 21633164, 26648833). This variant is not present in population databases (gnomAD no frequency). This variant has not been reported in the literature in individuals affected with KIF7-related conditions. ClinVar contains an entry for this variant (Variation ID: 1966171). For these reasons, this variant has been classified as Pathogenic.

Blueprint Genetics
Classification: Likely pathogenic for KIF7-related disorders. Last evaluated: 2020-12-23. Review status: criteria provided, single submitter. Criteria: ACMG Guidelines, 2015. Collection method: clinical testing. Allele origin: germline. Affected: yes. Observed: 1 variant allele.

Literature cited by the submitters: PubMed 19666503 (cited by Labcorp Genetics (formerly Invitae), Labcorp); PubMed 21552264 (cited by Labcorp Genetics (formerly Invitae), Labcorp); PubMed 21633164 (cited by Labcorp Genetics (formerly Invitae), Labcorp); PubMed 26648833 (cited by Labcorp Genetics (formerly Invitae), Labcorp).

NM_198525.3(KIF7):c.1269dup (p.Arg424fs)

Gene: KIF7 (kinesin family member 7; minus strand). Cytogenetic location: 15q26.1.
Variant type: Duplication.
Coding change: c.1269dup on transcript NM_198525.3 (MANE Select); coding-DNA position 1269, one base duplicated (G; older notation c.1269dupG).
Protein change: p.Arg424fs; shifts the reading frame from arginine 424.
Molecular consequence: frameshift variant.
Genome position (GRCh38, 1-based): chr15:89,648,429, C duplicated on the plus strand (G on the coding strand, the reverse complement: KIF7 is on the minus strand). VCF-style (leftmost placement, unchanged base first): chr15-89648428-G-GC. GRCh37 (hg19) VCF-style: chr15-90191659-G-GC.
Other names: short protein forms R424fs.
Identifiers: ClinVar variation 1966171 (VCV001966171.6), dbSNP rs2505494071, ClinGen allele CA2575830245.